The following is an entry in ClinVar:

NM_207034.3(EDN3):c.674_675del (p.Pro225fs)

Gene: EDN3 (endothelin 3; plus strand). Cytogenetic location: 20q13.32.
Variant type: Deletion.
Coding change: c.674_675del on transcript NM_207034.3 (MANE Select); coding-DNA positions 674 to 675, 2 bases deleted (CA; older notation c.674_675delCA).
Protein change: p.Pro225fs; shifts the reading frame from proline 225.
Molecular consequence: frameshift variant. On other transcripts: 3 prime UTR variant (5).
Genome position (GRCh38, 1-based): chr20:59,324,416-59,324,417, CA deleted. VCF-style (leftmost placement, unchanged base first): chr20-59324415-CCA-C. GRCh37 (hg19) VCF-style: chr20-57899470-CCA-C.
Other names: c.674_675delCA (NM_207034.3); c.*81_*82del (NM_001302455.2); c.*49_*50del (NM_001302456.2, NM_001424361.1, NM_207032.3); c.713_714del, p.Pro238fs (NM_001424362.1); c.*112_*113del (NM_001424363.1); c.632_633del, p.Pro211fs (NM_207033.3); short protein forms P211fs, P225fs, P238fs.
Identifiers: ClinVar variation 2637511 (VCV002637511.1), dbSNP rs2516384048, ClinGen allele CA2695201417.

ClinVar aggregate classification (germline): Uncertain significance (1 of 4 stars; one submission).

Submission:

Women's Health and Genetics/Laboratory Corporation of America, LabCorp
Classification: Uncertain significance. Last evaluated: 2023-10-26. Review status: criteria provided, single submitter. Criteria: LabCorp Variant Classification Summary - May 2015. Collection method: clinical testing. Allele origin: germline.
Comment: Variant summary: EDN3 c.674_675delCA (p.Pro225LeufsX41) causes a frameshift which results in an extension of the protein. The variant was absent in 251218 control chromosomes. The available data on variant occurrences in the general population are insufficient to allow any conclusion about variant significance. To our knowledge, no occurrence of c.674_675delCA in individuals affected with Waardenburg Syndrome Type 4B and no experimental evidence demonstrating its impact on protein function have been reported. Additionally, to the best of our knowledge, no extension variants of EDN3 have been reported in HGMD or in ClinVar. No submitters have cited clinical-significance assessments for this variant to ClinVar after 2014. Based on the evidence outlined above, the variant was classified as uncertain significance.